The following is an entry in ClinVar:

NM_003072.5(SMARCA4):c.4667del (p.Val1556fs)

Gene: SMARCA4 (SWI/SNF related BAF chromatin remodeling complex subunit ATPase 4; plus strand). Cytogenetic location: 19p13.2.
Variant type: Deletion.
Coding change: c.4667del on transcript NM_003072.5 (MANE Select); coding-DNA position 4667, one base deleted (T; older notation c.4667delT).
Protein change: p.Val1556fs; shifts the reading frame from valine 1556.
Molecular consequence: frameshift variant. On other transcripts: non-coding transcript variant (1).
Genome position (GRCh38, 1-based): chr19:11,059,784, T deleted. VCF-style (leftmost placement, unchanged base first): chr19-11059783-GT-G. GRCh37 (hg19) VCF-style: chr19-11170459-GT-G.
Other names: c.4667del, p.Val1556fs (NM_001128844.3); c.4577del, p.Val1526fs (NM_001128845.2); c.4574del, p.Val1525fs (NM_001128846.2); c.4568del, p.Val1523fs (NM_001128847.4, NM_001374457.1); c.4565del, p.Val1522fs (NM_001128848.2); c.4763del, p.Val1588fs (NM_001128849.3, NM_001387283.1); c.4763delT (NM_001128849.1); short protein forms V1523fs, V1526fs, V1556fs, V1522fs, V1525fs, V1588fs.
Identifiers: ClinVar variation 212258 (VCV000212258.7), dbSNP rs797045987, ClinGen allele CA209323.

ClinVar aggregate classification (germline): Pathogenic. Review status: criteria provided, multiple submitters, no conflicts (2 of 4 stars). 2 submissions from 2 submitters: Pathogenic (2). Last evaluated 2024-01-02.

Conditions:
Hereditary cancer-predisposing syndrome. Also called: Tumor predisposition; Hereditary neoplastic syndrome; Neoplastic Syndromes, Hereditary; Hereditary Cancer Syndrome. Identifiers: Orphanet 140162, MedGen C0027672, MeSH D009386, MONDO:0015356.
Rhabdoid tumor predisposition syndrome 2 (RTPS2). Identifiers: Orphanet 231108, Orphanet 69077, MedGen C2750074, MONDO:0013224, OMIM 613325.

Submissions (2):

Ambry Genetics
Classification: Pathogenic for Hereditary cancer-predisposing syndrome. Last evaluated: 2024-01-02. Review status: criteria provided, single submitter. Criteria: Ambry Variant Classification Scheme 2023. Collection method: clinical testing. Allele origin: germline.
Comment: The c.4763delT pathogenic mutation, located in coding exon 33 of the SMARCA4 gene, results from a deletion of one nucleotide at nucleotide position 4763, causing a translational frameshift with a predicted alternate stop codon (p.V1588Afs*40). This alteration is expected to result in loss of function by premature protein truncation or nonsense-mediated mRNA decay. This alteration has been observed in at least one individual with a personal and/or family history that is consistent with SMARCA4-related disease (Ambry internal data). This variant is considered to be rare based on population cohorts in the Genome Aggregation Database (gnomAD). Loss-of-function variants in SMARCA4 are known to cause rhabdoid tumor predisposition syndrome including small cell carcinoma of the ovary-hypercalcemic type (SCCOHT); however, such associations with neurodevelopmental disorders are exceedingly rare (Kosho T et al. Am J Med Genet C Semin Med Genet. 2014 Sep;166C(3):262-75; Jelinic P et al. Nat Genet. 2014 May;46(5):424-6). Based on the supporting evidence, this alteration is pathogenic for rhabdoid tumor predisposition syndrome/SCCOHT; however, the association of this alteration with Coffin-Siris syndrome is unlikely.

Genetic Services Laboratory, University of Chicago
Classification: Pathogenic for Rhabdoid tumor predisposition syndrome 2. Last evaluated: 2014-08-29. Review status: criteria provided, single submitter. Criteria: ACMG Guidelines, 2015. Collection method: clinical testing. Allele origin: germline. Affected: yes.